The following is an entry in ClinVar:

NM_000088.4(COL1A1):c.697-2del

Genes: COL1A1 (collagen type I alpha 1 chain; minus strand), LOC126862586 (CDK7 strongly-dependent group 2 enhancer GRCh37_chr17:48273702-48274901; plus strand). Cytogenetic location: 17q21.33.
Variant type: Deletion.
Coding change: c.697-2del on transcript NM_000088.4 (MANE Select); the canonical splice acceptor site of the intron before coding-DNA position 697, one base deleted (A; older notation c.697-2delA).
Molecular consequence: splice acceptor variant.
Genome position (GRCh38, 1-based): chr17:50,197,235, T deleted on the plus strand (A on the coding strand, the reverse complement: COL1A1 is on the minus strand). VCF-style (leftmost placement, unchanged base first): chr17-50197234-CT-C. GRCh37 (hg19) VCF-style: chr17-48274595-CT-C.
Identifiers: ClinVar variation 2138080 (VCV002138080.4), dbSNP rs67047255, ClinGen allele CA291547682.

ClinVar aggregate classification (germline): Pathogenic (1 of 4 stars; one submission).

Conditions:
Osteogenesis imperfecta type I (OI1). Also called: OI, TYPE I; OSTEOGENESIS IMPERFECTA TARDA; OSTEOGENESIS IMPERFECTA WITH BLUE SCLERAE; Osteogenesis imperfecta type 1; Lobstein disease; Lobstein's Disease. Identifiers: Orphanet 216796, Orphanet 666, MedGen C0023931, MONDO:0008146, OMIM 166200. Disease mechanism: loss of function.

Submission:

Labcorp Genetics (formerly Invitae), Labcorp
Classification: Pathogenic for Osteogenesis imperfecta type I. Last evaluated: 2025-06-17. Review status: criteria provided, single submitter. Criteria: Invitae Variant Classification Sherloc (09022015). Collection method: clinical testing. Allele origin: germline.
Comment: This sequence change affects a splice site in intron 9 of the COL1A1 gene. It is expected to disrupt RNA splicing. Variants that disrupt the donor or acceptor splice site typically lead to a loss of protein function (PMID: 16199547), and loss-of-function variants in COL1A1 are known to be pathogenic (PMID: 7942841, 9295084, 9443882). This variant is not present in population databases (gnomAD no frequency). Disruption of this splice site has been observed in individual(s) with osteogenesis imperfecta (PMID: 16705691). ClinVar contains an entry for this variant (Variation ID: 2138080). Algorithms developed to predict the effect of sequence changes on RNA splicing suggest that this variant may disrupt the consensus splice site. For these reasons, this variant has been classified as Pathogenic.

Literature cited by the submitters: PubMed 16199547; PubMed 7942841; PubMed 9295084; PubMed 9443882; PubMed 16705691.